The following is an entry in ClinVar:

NM_018290.4(PGM2):c.250-5T>C

Gene: PGM2 (phosphoglucomutase 2; plus strand). Cytogenetic location: 4p14.
Variant type: single nucleotide variant.
Coding change: c.250-5T>C on transcript NM_018290.4 (MANE Select); 5 bases into the intron before coding-DNA position 250, T replaced by C.
Molecular consequence: intron variant.
Genome position (GRCh38, 1-based): chr4:37,834,613, T>C. VCF-style: chr4-37834613-T-C. GRCh37 (hg19) VCF-style: chr4-37836235-T-C.
Identifiers: ClinVar variation 2654719 (VCV002654719.24), dbSNP rs113769990, ClinGen allele CA2886650.

ClinVar aggregate classification (germline): Likely benign (1 of 4 stars; one submission).

Allele frequency attached by ClinVar (database versions not stated): 1000 Genomes Project 30x 0.00156; TOPMed 0.00159; 1000 Genomes Project 0.00180; ESP Exome Variant Server 0.00254; gnomAD 0.00260; gnomAD exomes 0.00275; ExAC 0.00295.
gnomAD v4.1: 3,765 of 1,395,466 alleles (0.27%); highest among the groups gnomAD compares: South Asian, 0.5%; 27 homozygotes.

Submission:

CeGaT Center for Human Genetics Tuebingen
Classification: Likely benign. Last evaluated: 2022-11-01. Review status: criteria provided, single submitter. Criteria: CeGaT Center For Human Genetics Tuebingen Variant Classification Criteria Version 2. Collection method: clinical testing. Allele origin: germline. Affected: yes. Observed: 1 variant allele.
Comment: PGM2: BP4, BS2